The following is an entry in ClinVar:

NM_001849.4(COL6A2):c.1945G>A (p.Ala649Thr)

Gene: COL6A2 (collagen type VI alpha 2 chain; plus strand). Cytogenetic location: 21q22.3.
Variant type: single nucleotide variant.
Coding change: c.1945G>A on transcript NM_001849.4 (MANE Select); coding-DNA position 1945, G replaced by A.
Protein change: p.Ala649Thr; replaces alanine 649 with threonine.
Molecular consequence: missense variant.
Genome position (GRCh38, 1-based): chr21:46,125,593, G>A. VCF-style: chr21-46125593-G-A. GRCh37 (hg19) VCF-style: chr21-47545507-G-A.
Other names: c.1945G>A, p.Ala649Thr (NM_058174.3, NM_058175.3); short protein forms A649T.
Identifiers: ClinVar variation 287938 (VCV000287938.56), dbSNP rs142002945, ClinGen allele CA10072340.
Genomic context (GRCh38, chr21:46,125,593, plus strand): 5'-ACCAACTTCACACTGGAGAAGAACTTCGTCATCAACGTGGTCAACAGGCTGGGTGCCATC[G>A]CTAAGGACCCCAAGTCCGAGACAGGTCAGCGGGGCAGGGGCGGGTGCAGCATTGCGGGGG-3'
Protein context (NP_001840.3, residues 639-659): INVVNRLGAI[Ala649Thr]KDPKSETGTR

ClinVar aggregate classification (germline): Conflicting classifications of pathogenicity. Review status: criteria provided, conflicting classifications (1 of 4 stars). 5 submissions from 5 submitters: Uncertain significance (1); Benign (2); Likely benign (2). Last evaluated 2025-12-01.

Conditions:
Collagen 6-related myopathy. Identifiers: MedGen CN117976, MONDO:0100225.
Bethlem myopathy 1A. Also called: Bethlem myopathy 1; Bethlem Muscular Dystrophy; MYOPATHY, BENIGN CONGENITAL, WITH CONTRACTURES. Identifiers: Orphanet 610, MedGen CN029274, MONDO:0024530, OMIM 158810.

Allele frequency attached by ClinVar (database versions not stated): gnomAD 0.00002 and 0.00025; ESP Exome Variant Server 0.00008; TOPMed 0.00008; gnomAD exomes 0.00056; ExAC 0.00071; 1000 Genomes Project 0.00240; 1000 Genomes Project 30x 0.00265.
gnomAD v4.1: 551 of 1,612,730 alleles (0.034%); highest among the groups gnomAD compares: South Asian, 0.51%; 1 homozygote.

Submissions (5):

Labcorp Genetics (formerly Invitae), Labcorp
Classification: Likely benign for Bethlem myopathy 1A. Last evaluated: 2025-12-01. Review status: criteria provided, single submitter. Criteria: Invitae Variant Classification Sherloc (09022015). Collection method: clinical testing. Allele origin: germline.

CeGaT Center for Human Genetics Tuebingen
Classification: Uncertain significance. Last evaluated: 2022-04-01. Review status: criteria provided, single submitter. Criteria: CeGaT Center For Human Genetics Tuebingen Variant Classification Criteria Version 2. Collection method: clinical testing. Allele origin: germline. Affected: yes. Observed: 1 variant allele.

GeneDx
Classification: Likely benign. Last evaluated: 2021-04-02. Review status: criteria provided, single submitter. Criteria: GeneDx Variant Classification Process June 2021. Collection method: clinical testing. Allele origin: germline. Affected: yes.

Illumina Laboratory Services, Illumina
Classification: Benign for Collagen VI-related myopathy. Last evaluated: 2018-01-13. Review status: criteria provided, single submitter. Criteria: ICSL Variant Classification Criteria 13 December 2019. Collection method: clinical testing. Allele origin: germline.
Comment: This variant was observed in the ICSL laboratory as part of a predisposition screen in an ostensibly healthy population. It had not been previously curated by ICSL or reported in the Human Gene Mutation Database (HGMD: prior to June 1st, 2018), and was therefore a candidate for classification through an automated scoring system. Utilizing variant allele frequency, disease prevalence and penetrance estimates, and inheritance mode, an automated score was calculated to assess if this variant is too frequent to cause the disease. Based on the score and internal cut-off values, a variant classified as benign is not then subjected to further curation. The score for this variant resulted in a classification of benign for this disease.

Eurofins Ntd Llc (ga)
Classification: Benign. Last evaluated: 2016-05-04. Review status: criteria provided, single submitter. Criteria: EGL Classification Definitions 2015. Collection method: clinical testing. Allele origin: germline. Observed: 1 variant allele, 1 heterozygote.